The following is an entry in ClinVar:

ClinVar aggregate classification (germline): Pathogenic (1 of 4 stars; one submission).

Submission:

ISCA Site 6
Classification: Pathogenic. Last evaluated: 2011-08-12. Review status: criteria provided, single submitter. Criteria: Kaminsky et al. (Genet Med. 2011). Collection method: clinical testing. Allele origin: maternal. Affected: yes. Observed: 1 variant allele.
Comment: Copy number variation identified through the course of routine clinical cytogenomic testing in postnatal populations. Clinical assertions have been curated as described in Kaminsky et al. 2011.

GRCh38/hg38 16p13.3(chr16:1816283-2020966)x3

Genes: FAHD1 (fumarylacetoacetate hydrolase domain containing 1; plus strand), GFER (growth factor, augmenter of liver regeneration; plus strand), HAGH (hydroxyacylglutathione hydrolase; minus strand), HS3ST6 (heparan sulfate-glucosamine 3-sulfotransferase 6; minus strand), LINC00254 (long intergenic non-protein coding RNA 254; minus strand) and 37 more. Cytogenetic location: 16p13.3.
Variant type: copy number gain.
Change: copy number 3 (three copies instead of two) of chr16:1,816,283-2,020,966 (204.7 kb, GRCh38 coordinates, 1-based), cytogenetic band 16p13.3.
Identifiers: ClinVar variation 58604 (VCV000058604.2).